The following is an entry in ClinVar:

NM_001040108.2(MLH3):c.1263C>G (p.Asn421Lys)

Gene: MLH3 (mutL homolog 3; minus strand). Cytogenetic location: 14q24.3.
Variant type: single nucleotide variant.
Coding change: c.1263C>G on transcript NM_001040108.2 (MANE Select); coding-DNA position 1263, C replaced by G.
Protein change: p.Asn421Lys; replaces asparagine 421 with lysine.
Molecular consequence: missense variant.
Genome position (GRCh38, 1-based): chr14:75,048,393, G>C on the plus strand (C>G on the coding strand, the complement: MLH3 is on the minus strand). VCF-style: chr14-75048393-G-C. GRCh37 (hg19) VCF-style: chr14-75515096-G-C.
Other names: c.1263C>G, p.Asn421Lys (NM_014381.3); short protein forms N421K.
Identifiers: ClinVar variation 2625655 (VCV002625655.2), dbSNP rs1892417458, ClinGen allele CA390446758.

ClinVar aggregate classification (germline): Uncertain significance (1 of 4 stars; one submission).

Allele frequency attached by ClinVar (database versions not stated): gnomAD 0.00001.
gnomAD v4.1: 1 of 1,609,496 alleles (0.000062%); highest among the groups gnomAD compares: African/African-American, 0.0013%; no homozygotes.

Submission:

Ambry Genetics
Classification: Uncertain significance. Last evaluated: 2023-07-30. Review status: criteria provided, single submitter. Criteria: Ambry Variant Classification Scheme 2023. Collection method: clinical testing. Allele origin: germline.
Comment: The p.N421K variant (also known as c.1263C>G), located in coding exon 1 of the MLH3 gene, results from a C to G substitution at nucleotide position 1263. The asparagine at codon 421 is replaced by lysine, an amino acid with similar properties. This amino acid position is conserved. In addition, this alteration is predicted to be tolerated by in silico analysis. Since supporting evidence is limited at this time, the clinical significance of this alteration remains unclear.